The following is an entry in ClinVar:

ClinVar aggregate classification (germline): Uncertain significance (1 of 4 stars; one submission).

Conditions:
Neuropathy, hereditary sensory and autonomic, type 2A (HSAN2A). Also called: HSAN IIA; WNK1-Related HSAN2 (HSAN2A); MORVAN DISEASE; NEUROPATHY, CONGENITAL SENSORY; NEUROPATHY, HEREDITARY SENSORY RADICULAR, AUTOSOMAL RECESSIVE; NEUROPATHY, HEREDITARY SENSORY, TYPE IIA. Identifiers: Orphanet 970, MedGen C2752089, MONDO:0024309, OMIM 201300.
Pseudohypoaldosteronism type 2C (PHA2C). Also called: Pseudohypoaldosteronism Type IIC. Identifiers: Orphanet 757, Orphanet 88940, MedGen C1840391, MONDO:0013778, OMIM 614492.

Allele frequency attached by ClinVar (database versions not stated): gnomAD exomes below 0.00001.
gnomAD v4.1: 2 of 1,613,938 alleles (0.00012%); highest among the groups gnomAD compares: Non-Finnish European, 0.000085%; no homozygotes.

Submission:

Labcorp Genetics (formerly Invitae), Labcorp
Classification: Uncertain significance for Neuropathy, hereditary sensory and autonomic, type 2A; Pseudohypoaldosteronism type 2C. Last evaluated: 2017-12-24. Review status: criteria provided, single submitter. Criteria: Invitae Variant Classification Sherloc (09022015). Collection method: clinical testing. Allele origin: germline.
Comment: In summary, the available evidence is currently insufficient to determine the role of this variant in disease. Therefore, it has been classified as a Variant of Uncertain Significance. Algorithms developed to predict the effect of missense changes on protein structure and function do not agree on the potential impact of this missense change (SIFT: "Deleterious"; PolyPhen-2: "Benign"; Align-GVGD: "Class C0"). This variant has not been reported in the literature in individuals with WNK1-related disease. This variant is not present in population databases (ExAC no frequency). This sequence change replaces alanine with threonine at codon 967 of the WNK1 protein (p.Ala967Thr). The alanine residue is highly conserved and there is a small physicochemical difference between alanine and threonine.

NM_018979.4(WNK1):c.2899G>A (p.Ala967Thr)

Gene: WNK1 (WNK lysine deficient protein kinase 1; plus strand). Cytogenetic location: 12p13.33.
Variant type: single nucleotide variant.
Coding change: c.2899G>A on transcript NM_018979.4 (MANE Select); coding-DNA position 2899, G replaced by A.
Protein change: p.Ala967Thr; replaces alanine 967 with threonine.
Molecular consequence: missense variant. On other transcripts: intron variant (2).
Genome position (GRCh38, 1-based): chr12:880,787, G>A. VCF-style: chr12-880787-G-A. GRCh37 (hg19) VCF-style: chr12-989953-G-A.
Other names: c.3679G>A, p.Ala1227Thr (NM_001184985.2); c.3868-905G>A (NM_213655.5); c.2371-905G>A (NM_014823.3); short protein forms A967T, A1227T.
Identifiers: ClinVar variation 538512 (VCV000538512.6), dbSNP rs1555146635, ClinGen allele CA383326936.